The following is an entry in ClinVar:

NM_001130009.3(GEN1):c.492G>C (p.Gln164His)

Gene: GEN1 (GEN1 Holliday junction 5' flap endonuclease; plus strand). Cytogenetic location: 2p24.2.
Variant type: single nucleotide variant.
Coding change: c.492G>C on transcript NM_001130009.3 (MANE Select); coding-DNA position 492, G replaced by C.
Protein change: p.Gln164His; replaces glutamine 164 with histidine.
Molecular consequence: missense variant.
Genome position (GRCh38, 1-based): chr2:17,765,040, G>C. VCF-style: chr2-17765040-G-C. GRCh37 (hg19) VCF-style: chr2-17946307-G-C.
Other names: c.492G>C, p.Gln164His (NM_182625.5); short protein forms Q164H.
Identifiers: ClinVar variation 4262994 (VCV004262994.1).
Genomic context (GRCh38, chr2:17,765,040, plus strand): 5'-TGGTGGTCATGTCGATGGCTGCCTCACCAATGATGGAGATACTTTCCTTTATGGGGCCCA[G>C]ACTGTTTACAGGAATTTCACTATGAATACAAAGGTGTTTATTTTCTTTCTCTTTTTCAGC-3'
Protein context (NP_001123481.3, residues 154-174): NDGDTFLYGA[Gln164His]TVYRNFTMNT

ClinVar aggregate classification (germline): Uncertain significance (1 of 4 stars; one submission).

gnomAD v4.1: 2 of 1,613,988 alleles (0.00012%); highest among the groups gnomAD compares: African/African-American, 0.0027%; no homozygotes.

Submission:

Ambry Genetics
Classification: Uncertain significance. Last evaluated: 2025-06-27. Review status: criteria provided, single submitter. Criteria: Ambry Variant Classification Scheme 2023. Collection method: clinical testing. Allele origin: germline.
Comment: The p.Q164H variant (also known as c.492G>C), located in coding exon 3 of the GEN1 gene, results from a G to C substitution at nucleotide position 492. The glutamine at codon 164 is replaced by histidine, an amino acid with highly similar properties. This amino acid position is conserved. In addition, this alteration is predicted to be tolerated by in silico analysis. Based on the available evidence, the clinical significance of this variant remains unclear.